The following is an entry in ClinVar:

GRCh37/hg19 12q14.1-15(chr12:61755618-70035424)x1

Genes: AVPR1A (arginine vasopressin receptor 1A; minus strand), C12orf56 (chromosome 12 open reading frame 56; minus strand), CAND1 (cullin associated and neddylation dissociated 1; plus strand), CCT2 (chaperonin containing TCP1 subunit 2; plus strand), CPM (carboxypeptidase M; minus strand) and 37 more. Cytogenetic location: 12q14.1-15.
Variant type: copy number loss.
Change: copy number 1 (one copy instead of two) of chr12:61,755,618-70,035,424 (8.28 Mb, GRCh37 coordinates, 1-based), cytogenetic band 12q14.1-15.
Identifiers: ClinVar variation 2685437 (VCV002685437.1).

ClinVar aggregate classification (germline): Pathogenic (1 of 4 stars; one submission).

Submission:

Quest Diagnostics Nichols Institute San Juan Capistrano
Classification: Pathogenic. Last evaluated: 2022-11-14. Review status: criteria provided, single submitter. Criteria: ACMG/ClinGen CNV Guidelines, 2019. Collection method: clinical testing. Allele origin: unknown.
Comment: The copy number loss of 12q14.1q15 involves numerous protein-coding genes. This deletion overlaps the 12q14 microdeletion syndrome region (Heldt 2018, Fischetto 2017, Mc Cormack 2015, Nso-Roca 2014, Bibb 2012). Haploinsufficiency of LEMD3 is associated with autosomal dominant Buschke-Ollendorff syndrome and osteopoikilosis with or without melorheostosis (OMIM 166700). In addition, deletions of 12q14 affecting gene HMGA2 have been reported in patients with autosomal dominant Silver-Russell syndrome-5 (OMIM 618908, Hubner 2020, Mercadante 2020). Thus, based on current medical literature and gene content, this copy number variant (CNV) is interpreted as pathogenic. References Bibb et al., Am J Med Genet A. 2012 Feb;158A(2):417-22. PMID: 22140081 Deng et al., Front Genet. 2021 Sep 1;12:716874. PMID: 34539745 Fischetto et al., Am J Med Genet A. 2017 Jul;173(7):1922-1930. PMID: 28407409 Heldt et al., Eur J Med Genet. 2018 Aug;61(8):421-427. PMID: 29501611 Hubner et al., J Clin Endocrinol Metab. 2020 Jul 1;105(7):dgaa273. PMID: 32421827 Mc Cormack et al., Case Rep Genet. 2015;2015:192071. PMID: 26266063 Mercadante et al., Ital J Pediatr. 2020 Jul 28;46(1):108. PMID: 32723361 Nso-Roca et al., J Pediatr Endocrinol Metab. 2014 May;27(5-6):539-43. PMID: 24468604